The following is an entry in ClinVar:

ClinVar aggregate classification (germline): Uncertain significance (1 of 4 stars; one submission).

gnomAD v4.1: 21 of 1,614,128 alleles (0.0013%); highest among the groups gnomAD compares: African/African-American, 0.008%; no homozygotes.

Submission:

Women's Health and Genetics/Laboratory Corporation of America, LabCorp
Classification: Uncertain significance. Last evaluated: 2026-06-03. Review status: criteria provided, single submitter. Criteria: LabCorp Variant Classification Summary - May 2015. Collection method: clinical testing. Allele origin: germline.
Comment: Variant summary: LHX4 c.829G>A (p.Val277Met) results in a conservative amino acid change in the encoded protein sequence. Algorithms developed to predict the effect of missense changes on protein structure and function are either unavailable or do not agree on the potential impact of this missense change. The variant allele was found at a frequency of 1.6e-05 in 251460 control chromosomes. The available data on variant occurrences in the general population are insufficient to allow any conclusion about variant significance. To our knowledge, no occurrence of c.829G>A in individuals affected with LHX4-related conditions and no experimental evidence demonstrating its impact on protein function have been reported. No submitters have cited clinical-significance assessments for this variant to ClinVar. Based on the evidence outlined above, the variant was classified as uncertain significance.

NM_033343.4(LHX4):c.829G>A (p.Val277Met)

Genes: ACBD6 (acyl-CoA binding domain containing 6; minus strand), LHX4 (LIM homeobox 4; plus strand), LHX4-AS1 (LHX4 antisense RNA 1; minus strand). Cytogenetic location: 1q25.2.
Variant type: single nucleotide variant.
Coding change: c.829G>A on transcript NM_033343.4 (MANE Select); coding-DNA position 829, G replaced by A.
Protein change: p.Val277Met; replaces valine 277 with methionine.
Molecular consequence: missense variant.
Genome position (GRCh38, 1-based): chr1:180,274,235, G>A. VCF-style: chr1-180274235-G-A. GRCh37 (hg19) VCF-style: chr1-180243370-G-A.
Other names: short protein forms V277M.
Identifiers: ClinVar variation 4887535 (VCV004887535.1).